The following is an entry in ClinVar:

NM_000077.5(CDKN2A):c.458-75_458-68dup

Gene: CDKN2A (cyclin dependent kinase inhibitor 2A; minus strand). Cytogenetic location: 9p21.3.
Variant type: Duplication.
Coding change: c.458-75_458-68dup on transcript NM_000077.5 (MANE Select); 75 bases into the intron before coding-DNA position 458 through 68 bases into the intron before coding-DNA position 458, 8 bases duplicated (AGAGAGGA; older notation c.458-75_458-68dupAGAGAGGA).
Molecular consequence: intron variant.
Genome position (GRCh38, 1-based): chr9:21,968,310-21,968,317, TCCTCTCT duplicated on the plus strand (AGAGAGGA on the coding strand, the reverse complement: CDKN2A is on the minus strand); duplicating any 8 consecutive bases within chr9:21,968,310-21,968,318 gives the same sequence; the c. name uses the placement nearest the transcript's 3' end. VCF-style (leftmost placement, unchanged base first): chr9-21968309-C-CTCCTCTCT. GRCh37 (hg19) VCF-style: chr9-21968308-C-CTCCTCTCT.
Other names: c.305-75_305-68dup (NM_001363763.2); c.*102-75_*102-68dup (NM_058195.4); c.*151-75_*151-68dup (NM_001195132.2); c.*381-75_*381-68dup (NM_058197.5).
Identifiers: ClinVar variation 4294219 (VCV004294219.1).

ClinVar aggregate classification (germline): Benign (1 of 4 stars; one submission).

Conditions:
Melanoma-pancreatic cancer syndrome. Identifiers: Orphanet 404560, MedGen C1838547, MONDO:0011713, OMIM 606719. Disease mechanism: loss of function.

Submission:

Myriad Genetics, Inc.
Classification: Benign for Melanoma-pancreatic cancer syndrome. Last evaluated: 2025-08-18. Review status: criteria provided, single submitter. Criteria: Myriad Autosomal Dominant, Autosomal Recessive and X-Linked Classification Criteria (2023). Collection method: clinical testing. Allele origin: unknown.
Comment: This variant is considered benign. This variant is intronic and is not expected to impact mRNA splicing.